The following is an entry in ClinVar:

NM_000180.4(GUCY2D):c.1828C>G (p.Leu610Val)

Gene: GUCY2D (guanylate cyclase 2D, retinal; plus strand). Cytogenetic location: 17p13.1.
Variant type: single nucleotide variant.
Coding change: c.1828C>G on transcript NM_000180.4 (MANE Select); coding-DNA position 1828, C replaced by G.
Protein change: p.Leu610Val; replaces leucine 610 with valine.
Molecular consequence: missense variant.
Genome position (GRCh38, 1-based): chr17:8,012,222, C>G. VCF-style: chr17-8012222-C-G. GRCh37 (hg19) VCF-style: chr17-7915540-C-G.
Other names: c.1828C>G (NM_000180.3); short protein forms L610V.
Identifiers: ClinVar variation 2156743 (VCV002156743.3), dbSNP rs779224998, ClinGen allele CA287530915.

ClinVar aggregate classification (germline): Uncertain significance. Review status: criteria provided, multiple submitters, no conflicts (2 of 4 stars). 2 submissions from 2 submitters: Uncertain significance (2). Last evaluated 2023-08-04.

Conditions:
Inborn genetic diseases. Identifiers: MedGen C0950123, MeSH D030342.
Cone-rod dystrophy 6 (CORD6). Also called: Cone dystrophy progressive; RETINAL CONE DYSTROPHY 2. Identifiers: Orphanet 1872, MedGen C1866293, MONDO:0011143, OMIM 601777.
Leber congenital amaurosis 1 (LCA1). Also called: RETINAL BLINDNESS, CONGENITAL; AMAUROSIS CONGENITA OF LEBER I; Congenital absence of the rods and cones; Leber's congenital tapetoretinal degeneration; Leber's congenital tapetoretinal dysplasia. Identifiers: Orphanet 65, MedGen C2931258, MONDO:0008764, OMIM 204000.

gnomAD v4.1: 12 of 1,614,004 alleles (0.00074%); highest among the groups gnomAD compares: Non-Finnish European, 0.00093%; no homozygotes.

Submissions (2):

Ambry Genetics
Classification: Uncertain significance for Inborn genetic diseases. Last evaluated: 2023-08-04. Review status: criteria provided, single submitter. Criteria: Ambry Variant Classification Scheme 2023. Collection method: clinical testing. Allele origin: germline.

Labcorp Genetics (formerly Invitae), Labcorp
Classification: Uncertain significance for Leber congenital amaurosis 1; Cone-rod dystrophy 6. Last evaluated: 2022-06-12. Review status: criteria provided, single submitter. Criteria: Invitae Variant Classification Sherloc (09022015). Collection method: clinical testing. Allele origin: germline.
Comment: This sequence change replaces leucine, which is neutral and non-polar, with valine, which is neutral and non-polar, at codon 610 of the GUCY2D protein (p.Leu610Val). This variant is present in population databases (no rsID available, gnomAD 0.0009%). This variant has not been reported in the literature in individuals affected with GUCY2D-related conditions. Algorithms developed to predict the effect of missense changes on protein structure and function (SIFT, PolyPhen-2, Align-GVGD) all suggest that this variant is likely to be tolerated. In summary, the available evidence is currently insufficient to determine the role of this variant in disease. Therefore, it has been classified as a Variant of Uncertain Significance.